The following is an entry in ClinVar:

NM_006306.4(SMC1A):c.1879C>A (p.Arg627Ser)

Gene: SMC1A (structural maintenance of chromosomes 1A; minus strand). Cytogenetic location: Xp11.22.
Variant type: single nucleotide variant.
Coding change: c.1879C>A on transcript NM_006306.4 (MANE Select); coding-DNA position 1879, C replaced by A.
Protein change: p.Arg627Ser; replaces arginine 627 with serine.
Molecular consequence: missense variant.
Genome position (GRCh38, 1-based): chrX:53,405,525, G>T on the plus strand (C>A on the coding strand, the complement: SMC1A is on the minus strand). VCF-style: chrX-53405525-G-T. GRCh37 (hg19) VCF-style: chrX-53432457-G-T.
Other names: c.1813C>A, p.Arg605Ser (NM_001281463.1); short protein forms R605S, R627S.
Identifiers: ClinVar variation 1305333 (VCV001305333.2), dbSNP rs1429718803, ClinGen allele CA413252786.
Genomic context (GRCh38, chrX:53,405,525, plus strand): 5'-GCTCCAGCCTGGGCAAGGGAATCCACACCTTGTGGCGCTGGTGGCCTCCAAAGGCAATGC[G>T]GCGGGCATCTTCCACGTTGTCACAGACAAGGGCATTGCCACAAGCATACTGCAGGGCCTT-3'
Protein context (NP_006297.2, residues 617-637): LVCDNVEDAR[Arg627Ser]IAFGGHQRHK

ClinVar aggregate classification (germline): Uncertain significance (1 of 4 stars; one submission).

Submission:

GeneDx
Classification: Uncertain significance. Last evaluated: 2019-04-19. Review status: criteria provided, single submitter. Criteria: GeneDx Variant Classification Process June 2021. Collection method: clinical testing. Allele origin: germline. Affected: yes.
Comment: Not observed in large population cohorts (Lek et al., 2016); The majority of missense variants in this gene are considered pathogenic (Stenson et al., 2014); In silico analysis, which includes protein predictors and evolutionary conservation, supports that this variant does not alter protein structure/function; Has not been previously published as pathogenic or benign to our knowledge